The following is an entry in ClinVar:

NM_001077365.2(POMT1):c.1181A>G (p.Asp394Gly)

Gene: POMT1 (protein O-mannosyltransferase 1; plus strand). Cytogenetic location: 9q34.13.
Variant type: single nucleotide variant.
Coding change: c.1181A>G on transcript NM_001077365.2 (MANE Select); coding-DNA position 1181, A replaced by G.
Protein change: p.Asp394Gly; replaces aspartic acid 394 with glycine.
Molecular consequence: missense variant. On other transcripts: non-coding transcript variant (10).
Genome position (GRCh38, 1-based): chr9:131,515,431, A>G. VCF-style: chr9-131515431-A-G. GRCh37 (hg19) VCF-style: chr9-134390818-A-G.
Other names: c.1019A>G, p.Asp340Gly (NM_001077366.2, NM_001353194.2); c.1181A>G, p.Asp394Gly (NM_001136113.2, NM_001374690.1); c.830A>G, p.Asp277Gly (NM_001136114.2, NM_001353195.2, NM_001374691.1 and 2 more transcripts); c.1247A>G, p.Asp416Gly (NM_001353193.2, NM_007171.4); c.1091A>G, p.Asp364Gly (NM_001353196.2); c.1085A>G, p.Asp362Gly (NM_001353197.2, NM_001353198.2); c.896A>G, p.Asp299Gly (NM_001353199.2); c.725A>G, p.Asp242Gly (NM_001353200.2); and 2 more; short protein forms D242G, D277G, D264G, D340G, D299G, D362G, D394G, D416G.
Identifiers: ClinVar variation 1376628 (VCV001376628.8), dbSNP rs2131748341, ClinGen allele CA375309720.
Genomic context (GRCh38, chr9:131,515,431, plus strand): 5'-TTGCCTTCCAGAGGAGTTCAAGGAATTTTCTGAAATCTCGGTCTTGGTTTTCCAGGCATG[A>G]TGTTGCAGCCCCCCTGAGCCCCCATTCACAGGAGGTCTCCTGCTACATTGACTATAACAT-3'
Protein context (NP_001070833.1, residues 384-404): GMTTRSLNTH[Asp394Gly]VAAPLSPHSQ

ClinVar aggregate classification (germline): Uncertain significance (1 of 4 stars; one submission).

Conditions:
Walker-Warburg congenital muscular dystrophy. Also called: Muscular dystrophy-dystroglycanopathy, type A; Walker-Warburg syndrome. Identifiers: Orphanet 899, MedGen C0265221, MONDO:0000171.
Autosomal recessive limb-girdle muscular dystrophy type 2K. Also called: MUSCULAR DYSTROPHY, LIMB-GIRDLE, TYPE 2K; MUSCULAR DYSTROPHY-DYSTROGLYCANOPATHY (LIMB-GIRDLE), TYPE C, 1. Identifiers: Orphanet 86812, MedGen C1836373, MONDO:0012248, OMIM 609308.
Muscular dystrophy-dystroglycanopathy (congenital with impaired intellectual development), type B, 1. Also called: MUSCULAR DYSTROPHY, CONGENITAL, POMT1-RELATED; Muscular dystrophy-dystroglycanopathy (congenital with intellectual disability), type B1. Identifiers: MedGen C5436962, MONDO:0013159, OMIM 613155.

Allele frequency attached by ClinVar (database versions not stated): gnomAD exomes 0.00001.
gnomAD v4.1: 10 of 1,614,206 alleles (0.00062%); highest among the groups gnomAD compares: Non-Finnish European, 0.00085%; no homozygotes.

Submission:

Labcorp Genetics (formerly Invitae), Labcorp
Classification: Uncertain significance for Muscular dystrophy-dystroglycanopathy (congenital with impaired intellectual development), type B, 1; Walker-Warburg congenital muscular dystrophy; Autosomal recessive limb-girdle muscular dystrophy type 2K. Last evaluated: 2021-06-25. Review status: criteria provided, single submitter. Criteria: Invitae Variant Classification Sherloc (09022015). Collection method: clinical testing. Allele origin: germline.
Comment: In summary, the available evidence is currently insufficient to determine the role of this variant in disease. Therefore, it has been classified as a Variant of Uncertain Significance. Algorithms developed to predict the effect of missense changes on protein structure and function (SIFT, PolyPhen-2, Align-GVGD) all suggest that this variant is likely to be disruptive, but these predictions have not been confirmed by published functional studies and their clinical significance is uncertain. This variant has not been reported in the literature in individuals with POMT1-related conditions. This variant is not present in population databases (ExAC no frequency). This sequence change replaces aspartic acid with glycine at codon 416 of the POMT1 protein (p.Asp416Gly). The aspartic acid residue is highly conserved and there is a moderate physicochemical difference between aspartic acid and glycine.